The following is an entry in ClinVar:

ClinVar aggregate classification (germline): Uncertain significance (1 of 4 stars; one submission).

Conditions:
Hereditary cancer-predisposing syndrome. Also called: Neoplastic Syndromes, Hereditary; Tumor predisposition; Hereditary Cancer Syndrome; Hereditary neoplastic syndrome. Identifiers: Orphanet 140162, MedGen C0027672, MeSH D009386, MONDO:0015356.

Submission:

Ambry Genetics
Classification: Uncertain significance for Hereditary cancer-predisposing syndrome. Last evaluated: 2026-05-17. Review status: criteria provided, single submitter. Criteria: Ambry Variant Classification Scheme 2023. Collection method: clinical testing. Allele origin: germline.
Comment: The p.V596A variant (also known as c.1787T>C), located in coding exon 6 of the BLM gene, results from a T to C substitution at nucleotide position 1787. The valine at codon 596 is replaced by alanine, an amino acid with similar properties. This amino acid position is conserved. In addition, this alteration is predicted to be tolerated by in silico analysis. Based on the available evidence, the clinical significance of this variant remains unclear.

NM_000057.4(BLM):c.1787T>C (p.Val596Ala)

Gene: BLM (BLM RecQ like helicase; plus strand). Cytogenetic location: 15q26.1.
Variant type: single nucleotide variant.
Coding change: c.1787T>C on transcript NM_000057.4 (MANE Select); coding-DNA position 1787, T replaced by C.
Protein change: p.Val596Ala; replaces valine 596 with alanine.
Molecular consequence: missense variant.
Genome position (GRCh38, 1-based): chr15:90,761,160, T>C. VCF-style: chr15-90761160-T-C. GRCh37 (hg19) VCF-style: chr15-91304390-T-C.
Other names: c.1787T>C, p.Val596Ala (NM_001287246.2, NM_001287247.2); c.662T>C, p.Val221Ala (NM_001287248.2); short protein forms V221A, V596A.
Identifiers: ClinVar variation 4867509 (VCV004867509.1).
Genomic context (GRCh38, chr15:90,761,160, plus strand): 5'-CCAGCAAATCTTCCACAGCTGCCTATCAACCCATCAAGGAAGGTCGGCCAATTAAATCAG[T>C]ATCAGAAAGACTTTCCTCAGCCAAGACAGACTGTCTTCCAGTGTCATCTACTGCTCAAAA-3'
Protein context (NP_000048.1, residues 586-606): PIKEGRPIKS[Val596Ala]SERLSSAKTD